The following is an entry in ClinVar:

NM_007294.4(BRCA1):c.4289C>G (p.Pro1430Arg)

Gene: BRCA1 (BRCA1 DNA repair associated; minus strand). Cytogenetic location: 17q21.31.
Variant type: single nucleotide variant.
Coding change: c.4289C>G on transcript NM_007294.4 (MANE Select); coding-DNA position 4289, C replaced by G.
Protein change: p.Pro1430Arg; replaces proline 1430 with arginine.
Molecular consequence: missense variant. On other transcripts: non-coding transcript variant (1).
Genome position (GRCh38, 1-based): chr17:43,082,472, G>C on the plus strand (C>G on the coding strand, the complement: BRCA1 is on the minus strand). VCF-style: chr17-43082472-G-C. GRCh37 (hg19) VCF-style: chr17-41234489-G-C.
Other names: c.857C>G, p.Pro286Arg (NM_001408427.1, NM_001408428.1, NM_001408429.1 and 8 more transcripts); c.4073C>G, p.Pro1358Arg (NM_001407915.1); c.4025C>G, p.Pro1342Arg (NM_001407920.1, NM_001407921.1, NM_001407922.1 and 7 more transcripts); c.4076C>G, p.Pro1359Arg (NM_001407916.1, NM_001407917.1, NM_001407918.1 and 12 more transcripts); c.860C>G, p.Pro287Arg (NM_001408431.1, NM_001408421.1, NM_001408424.1); c.854C>G, p.Pro285Arg (NM_001408432.1, NM_001408433.1, NM_001408435.1 and 10 more transcripts); c.4166C>G, p.Pro1389Arg (NM_001407919.1, NM_001407648.1, NM_001407664.1 and 13 more transcripts); c.974C>G, p.Pro325Arg (NM_001408402.1, NM_001408407.1, NM_001408400.1 and 1 more transcripts); and 51 more; short protein forms P1302R, P1340R, P1360R, P1362R, P1403R, P1428R, P159R, P238R.
Identifiers: ClinVar variation 1739401 (VCV001739401.2), dbSNP rs1597847973, ClinGen allele CA10593142.

ClinVar aggregate classification (germline): Uncertain significance (1 of 4 stars; one submission).

Conditions:
Hereditary cancer-predisposing syndrome. Also called: Hereditary Cancer Syndrome; Hereditary neoplastic syndrome; Neoplastic Syndromes, Hereditary; Tumor predisposition. Identifiers: Orphanet 140162, MedGen C0027672, MeSH D009386, MONDO:0015356.

Submission:

Ambry Genetics
Classification: Uncertain significance for Hereditary cancer-predisposing syndrome. Last evaluated: 2021-03-04. Review status: criteria provided, single submitter. Criteria: Ambry Variant Classification Scheme 2023. Collection method: clinical testing. Allele origin: germline.
Comment: The p.P1430R variant (also known as c.4289C>G), located in coding exon 11 of the BRCA1 gene, results from a C to G substitution at nucleotide position 4289. The proline at codon 1430 is replaced by arginine, an amino acid with dissimilar properties. This amino acid position is well conserved in available vertebrate species. In addition, this alteration is predicted to be tolerated by in silico analysis. Since supporting evidence is limited at this time, the clinical significance of this alteration remains unclear.